The following is an entry in ClinVar:

NM_000257.4(MYH7):c.4953G>A (p.Lys1651=)

Genes: MHRT (myosin heavy chain associated RNA transcript; plus strand), MYH7 (myosin heavy chain 7; minus strand), LOC126861897 (BRD4-independent group 4 enhancer GRCh37_chr14:23884455-23885654; plus strand). Cytogenetic location: 14q11.2.
Variant type: single nucleotide variant.
Coding change: c.4953G>A on transcript NM_000257.4 (MANE Select); coding-DNA position 4953, G replaced by A.
Protein change: p.Lys1651=; no amino-acid change (lysine 1651 retained).
Molecular consequence: synonymous variant. On other transcripts: non-coding transcript variant (1).
Genome position (GRCh38, 1-based): chr14:23,416,004, C>T on the plus strand (G>A on the coding strand, the complement: MYH7 is on the minus strand). VCF-style: chr14-23416004-C-T. GRCh37 (hg19) VCF-style: chr14-23885213-C-T.
Identifiers: ClinVar variation 922871 (VCV000922871.4), dbSNP rs1892187995, ClinGen allele CA485766421.

ClinVar aggregate classification (germline): Uncertain significance. Review status: criteria provided, multiple submitters, no conflicts (2 of 4 stars). 2 submissions from 2 submitters: Uncertain significance (2). Last evaluated 2025-08-29.

Conditions:
Cardiomyopathy (CMYO). Also called: Cardiomyopathies. Identifiers: Orphanet 167848, MedGen C0878544, MONDO:0004994, HP:0001638. Inheritance: Various modes of inheritance.
Hypertrophic cardiomyopathy. Also called: HYPERTROPHIC MYOCARDIOPATHY. Identifiers: Orphanet 217569, MedGen C0007194, MeSH D002312, MONDO:0005045, HP:0001639.

Submissions (2):

Labcorp Genetics (formerly Invitae), Labcorp
Classification: Uncertain significance for Hypertrophic cardiomyopathy. Last evaluated: 2025-08-29. Review status: criteria provided, single submitter. Criteria: Invitae Variant Classification Sherloc (09022015). Collection method: clinical testing. Allele origin: germline.
Comment: This sequence change affects codon 1651 of the MYH7 mRNA. It is a 'silent' change, meaning that it does not change the encoded amino acid sequence of the MYH7 protein. This variant also falls at the last nucleotide of exon 34, which is part of the consensus splice site for this exon. This variant is not present in population databases (gnomAD no frequency). This variant has not been reported in the literature in individuals affected with MYH7-related conditions. ClinVar contains an entry for this variant (Variation ID: 922871). Variants that disrupt the consensus splice site are a relatively common cause of aberrant splicing (PMID: 17576681, 9536098). Algorithms developed to predict the effect of sequence changes on RNA splicing suggest that this variant may disrupt the consensus splice site. In summary, the available evidence is currently insufficient to determine the role of this variant in disease. Therefore, it has been classified as a Variant of Uncertain Significance.

Color Diagnostics, LLC DBA Color Health
Classification: Uncertain significance for Cardiomyopathy. Last evaluated: 2019-11-24. Review status: criteria provided, single submitter. Criteria: ACMG Guidelines, 2015. Collection method: clinical testing. Allele origin: germline.
Comment: This variant is located in the MYH7 protein. Splice site prediction tools suggest that this variant may impact RNA splicing. To our knowledge, functional studies have not been performed for this variant. This variant has not been reported in individuals affected with cardiovascular disorders in the literature. This variant has not been identified in the general population by the Genome Aggregation Database (gnomAD). Clinical significance of loss-of-function MYH7 truncation and splice variants in autosomal dominant cardiovascular disorders is not clearly established. The available evidence is insufficient to determine the role of this variant in disease conclusively. Therefore, this variant is classified as a Variant of Uncertain Significance.

Literature cited by the submitters: PubMed 17576681 (cited by Labcorp Genetics (formerly Invitae), Labcorp); PubMed 9536098 (cited by Labcorp Genetics (formerly Invitae), Labcorp).